The following is an entry in ClinVar:

ClinVar aggregate classification (germline): Likely benign. Review status: criteria provided, single submitter (1 of 4 stars). 2 submissions from 2 submitters: Likely benign (1). 1 of the submissions does not count toward it. Last evaluated 2026-01-14.

Conditions:
MEOX1-related disorder. Also called: MEOX1-related condition.

Allele frequency attached by ClinVar (database versions not stated): gnomAD 0.00108 and 0.00119; TOPMed 0.00125; ESP Exome Variant Server 0.00131; ExAC 0.00041; 1000 Genomes Project 30x 0.00062; 1000 Genomes Project 0.00080.
gnomAD v4.1: 373 of 1,613,918 alleles (0.023%); highest among the groups gnomAD compares: African/African-American, 0.32%; 3 homozygotes.

Submissions (2):

Labcorp Genetics (formerly Invitae), Labcorp
Classification: Likely benign. Last evaluated: 2026-01-14. Review status: criteria provided, single submitter. Criteria: Invitae Variant Classification Sherloc (09022015). Collection method: clinical testing. Allele origin: germline.

PreventionGenetics, part of Exact Sciences
Classification: Likely benign for MEOX1-related condition. Last evaluated: 2022-05-16. Review status: no assertion criteria provided. Collection method: clinical testing. Allele origin: germline. Not counted in ClinVar's aggregate classification.
Comment: This variant is classified as likely benign based on ACMG/AMP sequence variant interpretation guidelines (Richards et al. 2015 PMID: 25741868, with internal and published modifications).

NM_004527.4(MEOX1):c.713A>G (p.Asn238Ser)

Gene: MEOX1 (mesenchyme homeobox 1; minus strand). Cytogenetic location: 17q21.31.
Variant type: single nucleotide variant.
Coding change: c.713A>G on transcript NM_004527.4 (MANE Select); coding-DNA position 713, A replaced by G.
Protein change: p.Asn238Ser; replaces asparagine 238 with serine.
Molecular consequence: missense variant. On other transcripts: synonymous variant (1).
Genome position (GRCh38, 1-based): chr17:43,641,962, T>C on the plus strand (A>G on the coding strand, the complement: MEOX1 is on the minus strand). VCF-style: chr17-43641962-T-C. GRCh37 (hg19) VCF-style: chr17-41719330-T-C.
Other names: c.368A>G, p.Asn123Ser (NM_001040002.2); c.540A>G, p.Gln180= (NM_013999.4); short protein forms N123S, N238S.
Identifiers: ClinVar variation 714734 (VCV000714734.11), dbSNP rs142457214, ClinGen allele CA8592532.
Genomic context (GRCh38, chr17:43,641,962, plus strand): 5'-GCAGAATCTCACTCTGAACTTGGAGAGGCTGTGGAGTCCCCATCCTCAGGGTCCTGCCCA[T>C]TGGGGGAGATGGGCTGACCTCCCTTCACACGCTTCCACTTCATCCTTCGGTTCTGGAACC-3'
Protein context (NP_004518.1, residues 228-248): RVKGGQPISP[Asn238Ser]GQDPEDGDST